The following is an entry in ClinVar:

NM_172107.4(KCNQ2):c.1136_1137delinsGA (p.Tyr379Ter)

Gene: KCNQ2 (potassium voltage-gated channel subfamily Q member 2; minus strand). Cytogenetic location: 20q13.33.
Variant type: Indel.
Coding change: c.1136_1137delinsGA on transcript NM_172107.4 (MANE Select); coding-DNA positions 1136 to 1137, AC replaced by GA.
Protein change: p.Tyr379Ter; replaces tyrosine 379 with a stop codon.
Molecular consequence: nonsense. On other transcripts: intron variant (1).
Genome position (GRCh38, 1-based): chr20:63,431,351-63,431,352, GT replaced by TC on the plus strand (AC replaced by GA on the coding strand, the reverse complement: KCNQ2 is on the minus strand). VCF-style: chr20-63431351-GT-TC. GRCh37 (hg19) VCF-style: chr20-62062704-GT-TC.
Other names: c.1136_1137delinsGA, p.Tyr379Ter (NM_001382235.1, NM_172106.3, NM_172108.5); c.1118+2457_1118+2458delinsGA (NM_004518.6); short protein forms Y379*.
Identifiers: ClinVar variation 3726054 (VCV003726054.2).

ClinVar aggregate classification (germline): Pathogenic (1 of 4 stars; one submission).

Conditions:
Early-infantile DEE. Also called: Early infantile epileptic encephalopathy; Ohtahara syndrome; Early infantile epileptic encephalopathy with suppression bursts. Identifiers: Orphanet 1934, MedGen C0393706, MONDO:0800491.

Submission:

Labcorp Genetics (formerly Invitae), Labcorp
Classification: Pathogenic for Early-infantile DEE. Last evaluated: 2024-12-06. Review status: criteria provided, single submitter. Criteria: Invitae Variant Classification Sherloc (09022015). Collection method: clinical testing. Allele origin: germline.
Comment: This sequence change creates a premature translational stop signal (p.Tyr379*) in the KCNQ2 gene. It is expected to result in an absent or disrupted protein product. Loss-of-function variants in KCNQ2 are known to be pathogenic (PMID: 14534157, 23692823, 27779742). Information on the frequency of this variant in the gnomAD database is not available, as this variant may be reported differently in the database. This variant has not been reported in the literature in individuals affected with KCNQ2-related conditions. For these reasons, this variant has been classified as Pathogenic.

Literature cited by the submitters: PubMed 14534157; PubMed 23692823; PubMed 27779742.